The following is an entry in ClinVar:

NM_016148.5(SHANK1):c.4609A>G (p.Ser1537Gly)

Gene: SHANK1 (SH3 and multiple ankyrin repeat domains 1; minus strand). Cytogenetic location: 19q13.33.
Variant type: single nucleotide variant.
Coding change: c.4609A>G on transcript NM_016148.5 (MANE Select); coding-DNA position 4609, A replaced by G.
Protein change: p.Ser1537Gly; replaces serine 1537 with glycine.
Molecular consequence: missense variant.
Genome position (GRCh38, 1-based): chr19:50,667,351, T>C on the plus strand (A>G on the coding strand, the complement: SHANK1 is on the minus strand). VCF-style: chr19-50667351-T-C. GRCh37 (hg19) VCF-style: chr19-51170608-T-C.
Other names: short protein forms S1537G.
Identifiers: ClinVar variation 3776653 (VCV003776653.1).

ClinVar aggregate classification (germline): Uncertain significance (1 of 4 stars; one submission).

Submission:

GeneDx
Classification: Uncertain significance. Last evaluated: 2024-10-02. Review status: criteria provided, single submitter. Criteria: GeneDx Variant Classification Process June 2021. Collection method: clinical testing. Allele origin: germline. Affected: yes.
Comment: Not observed at significant frequency in large population cohorts (gnomAD); In silico analysis indicates that this missense variant does not alter protein structure/function; Has not been previously published as pathogenic or benign to our knowledge